The following is an entry in ClinVar:

NM_003356.4(UCP3):c.259C>T (p.Arg87Cys)

Gene: UCP3 (uncoupling protein 3; minus strand). Cytogenetic location: 11q13.4.
Variant type: single nucleotide variant.
Coding change: c.259C>T on transcript NM_003356.4 (MANE Select); coding-DNA position 259, C replaced by T.
Protein change: p.Arg87Cys; replaces arginine 87 with cysteine.
Molecular consequence: missense variant.
Genome position (GRCh38, 1-based): chr11:74,006,247, G>A on the plus strand (C>T on the coding strand, the complement: UCP3 is on the minus strand). VCF-style: chr11-74006247-G-A. GRCh37 (hg19) VCF-style: chr11-73717292-G-A.
Other names: c.259C>T, p.Arg87Cys (NM_022803.3); short protein forms R87C.
Identifiers: ClinVar variation 2569740 (VCV002569740.5), dbSNP rs749122889, ClinGen allele CA6181568.

ClinVar aggregate classification (germline): Uncertain significance. Review status: criteria provided, single submitter (1 of 4 stars). 2 submissions from 2 submitters: Uncertain significance (1). 1 of the submissions does not count toward it. Last evaluated 2025-11-07.

Conditions:
UCP3-related disorder. Also called: UCP3-related condition.

Allele frequency attached by ClinVar (database versions not stated): gnomAD 0.00002; TOPMed 0.00003; ExAC 0.00003.

Submissions (2):

Ambry Genetics
Classification: Uncertain significance. Last evaluated: 2025-11-07. Review status: criteria provided, single submitter. Criteria: Ambry Variant Classification Scheme 2023. Collection method: clinical testing. Allele origin: germline.

PreventionGenetics, part of Exact Sciences
Classification: Uncertain significance for UCP3-related condition. Last evaluated: 2024-03-12. Review status: no assertion criteria provided. Collection method: clinical testing. Allele origin: germline. Not counted in ClinVar's aggregate classification.
Comment: The UCP3 c.259C>T variant is predicted to result in the amino acid substitution p.Arg87Cys. To our knowledge, this variant has not been reported in the literature. This variant is reported in 0.0080% of alleles in individuals of European (Finnish) descent in gnomAD. At this time, the clinical significance of this variant is uncertain due to the absence of conclusive functional and genetic evidence.